The following is an entry in ClinVar:

ClinVar aggregate classification (germline): Uncertain significance (1 of 4 stars; one submission).

gnomAD v4.1: 1 of 1,211,946 alleles (0.000083%); highest among the groups gnomAD compares: Non-Finnish European, 0.00011%; no homozygotes.

Submission:

GeneDx
Classification: Uncertain significance. Last evaluated: 2026-01-20. Review status: criteria provided, single submitter. Criteria: GeneDx Variant Classification Process June 2021. Collection method: clinical testing. Allele origin: germline.
Comment: Not observed at significant frequency in large population cohorts (gnomAD); In silico analysis suggests that this missense variant does not alter protein structure/function; Has not been previously published as pathogenic or benign to our knowledge

NM_031407.7(HUWE1):c.6929A>C (p.Gln2310Pro)

Gene: HUWE1 (HECT, UBA and WWE domain containing E3 ubiquitin protein ligase 1; minus strand). Cytogenetic location: Xp11.22.
Variant type: single nucleotide variant.
Coding change: c.6929A>C on transcript NM_031407.7 (MANE Select); coding-DNA position 6929, A replaced by C.
Protein change: p.Gln2310Pro; replaces glutamine 2310 with proline.
Molecular consequence: missense variant.
Genome position (GRCh38, 1-based): chrX:53,564,674, T>G on the plus strand (A>C on the coding strand, the complement: HUWE1 is on the minus strand). VCF-style: chrX-53564674-T-G. GRCh37 (hg19) VCF-style: chrX-53591635-T-G.
Other names: c.6926A>C, p.Gln2309Pro (NM_001441048.1, NM_001441051.1, NM_001441053.1 and 2 more transcripts); c.6929A>C, p.Gln2310Pro (NM_001441049.1, NM_001441052.1, NM_001441054.1 and 1 more transcripts); c.6950A>C, p.Gln2317Pro (NM_001441050.1, NM_001441055.1); short protein forms Q2309P, Q2310P, Q2317P.
Identifiers: ClinVar variation 4891389 (VCV004891389.1).